The following is an entry in ClinVar:

ClinVar aggregate classification (germline): Uncertain significance. Review status: criteria provided, multiple submitters, no conflicts (2 of 4 stars). 4 submissions from 4 submitters: Uncertain significance (4). Last evaluated 2026-07-13.

Conditions:
TTN-related disorder. Also called: TTN-related disorders; TTN-related condition; TTN-related disease.
Early-onset myopathy with fatal cardiomyopathy (CMYO5). Also called: CONGENITAL MYOPATHY 5 WITH CARDIOMYOPATHY; Salih Myopathy. Identifiers: Orphanet 289377, MedGen C2673677, MONDO:0012714, OMIM 611705. Disease mechanism: loss of function.
Autosomal recessive limb-girdle muscular dystrophy type 2J (LGMDR10). Also called: MUSCULAR DYSTROPHY, LIMB-GIRDLE, AUTOSOMAL RECESSIVE 10; Limb-girdle muscular dystrophy, type 2J. Identifiers: Orphanet 140922, MedGen C1837342, MONDO:0012127, OMIM 608807.
Hypertrophic cardiomyopathy 9. Also called: Familial hypertrophic cardiomyopathy 9. Identifiers: MedGen C1861065, MONDO:0013412, OMIM 613765.
Myopathy, myofibrillar, 9, with early respiratory failure (MFM9). Also called: Myopathy, distal, with early respiratory failure, autosomal dominant; Hereditary myopathy with early respiratory failure; EDSTROM MYOPATHY; MYOPATHY, PROXIMAL, WITH EARLY RESPIRATORY MUSCLE INVOLVEMENT. Identifiers: Orphanet 178464, Orphanet 34521, MedGen C1863599, MONDO:0011362, OMIM 603689.
Tibial muscular dystrophy (TMD). Also called: Tibial muscular dystrophy, tardive; Udd Distal Myopathy – Tibial Muscular Dystrophy; UDD MYOPATHY. Identifiers: Orphanet 609, MedGen C1838244, MONDO:0010870, OMIM 600334.
Dilated cardiomyopathy 1G (CMD1G). Identifiers: Orphanet 154, MedGen C1858763, MONDO:0011400, OMIM 604145.

Allele frequency attached by ClinVar (database versions not stated): gnomAD 0.00001; gnomAD exomes 0.00002; TOPMed 0.00002; ExAC 0.00002.
gnomAD v4.1: 26 of 1,611,912 alleles (0.0016%); highest among the groups gnomAD compares: Middle Eastern, 0.016%; no homozygotes.

Submissions (4):

PreventionGenetics, part of Exact Sciences
Classification: Uncertain significance for TTN-related condition. Last evaluated: 2026-07-13. Review status: criteria provided, single submitter. Criteria: ACMG Guidelines, 2015. Collection method: clinical testing. Allele origin: germline.
Comment: The TTN c.18832G>A variant is predicted to result in the amino acid substitution p.Gly6278Ser. To our knowledge, this variant has not been reported in the literature. This variant is reported in 0.015% of alleles in individuals of East Asian descent in gnomAD. At this time, the clinical significance of this variant is uncertain due to the absence of conclusive functional and genetic evidence.

GeneDx
Classification: Uncertain significance. Last evaluated: 2013-01-07. Review status: criteria provided, single submitter. Criteria: GeneDx Variant Classification (06012015). Collection method: clinical testing. Allele origin: germline. Affected: yes.
Comment: Missense variants in the TTN gene are considered 'unclassified' if they are not previously reported in the literature and do not have >1% frequency in the population to be considered a polymorphism. Research indicates that truncating mutations in the TTN gene are expected to account for approximately 25% of familial and 18% of sporadic idiopathic DCM; however, truncating variants in the TTN gene have been reported in approximately 3% of reported control alleles. There has been little investigation into non-truncating variants. (Herman D et al. Truncations of titin causing dilated cardiomyopathy. N Eng J Med 366:619-628, 2012) The variant is found in DCM panel(s).

Laboratory for Molecular Medicine, Mass General Brigham Personalized Medicine
Classification: Uncertain significance. Last evaluated: 2012-01-04. Review status: criteria provided, single submitter. Criteria: LMM Criteria. Collection method: clinical testing. Allele origin: germline. Observed: 1 variant allele.
Comment: Variant classified as Uncertain Significance - Favor Benign. The Gly5034Ser vari ant (TTN) has not been previously reported nor previously identified by our labo ratory. Glycine (Gly) at position 5034 is highly conserved across evolutionarily distant species, increasing the likelihood that a change would not be tolerated . Computational predictions on the impact to the protein are mixed (AlignGVGD, S IFT), though the accuracy of these tools is unknown. Additional information is n eeded to fully assess the clinical significance of the Gly5034Ser variant.

Juno Genomics, Hangzhou Juno Genomics, Inc
Classification: Uncertain significance for Early-onset myopathy with fatal cardiomyopathy; Dilated cardiomyopathy 1G; Hypertrophic cardiomyopathy 9; Autosomal recessive limb-girdle muscular dystrophy type 2J; Myopathy, myofibrillar, 9, with early respiratory failure; Tibial muscular dystrophy. Review status: criteria provided, single submitter. Criteria: ACMG Guidelines, 2015. Collection method: clinical testing. Allele origin: germline.
Comment: Missense variant in a gene that has a low rate of benign missense variation.;Multiple lines of computational evidence support a deleterious effect on the gene or gene product.;Absent from controls (or at extremely low frequency if recessive) in Genome Aggregation Database.

NM_001267550.2(TTN):c.18832G>A (p.Gly6278Ser)

Genes: TTN (titin; minus strand), LOC126806430 (BRD4-independent group 4 enhancer GRCh37_chr2:179593794-179594993; plus strand). Cytogenetic location: 2q31.2.
Variant type: single nucleotide variant.
Coding change: c.18832G>A on transcript NM_001267550.2 (MANE Select); coding-DNA position 18832, G replaced by A.
Protein change: p.Gly6278Ser; replaces glycine 6278 with serine.
Molecular consequence: missense variant. On other transcripts: intron variant (3).
Genome position (GRCh38, 1-based): chr2:178,729,324, C>T on the plus strand (G>A on the coding strand, the complement: TTN is on the minus strand). VCF-style: chr2-178729324-C-T. GRCh37 (hg19) VCF-style: chr2-179594051-C-T.
Other names: p.G5961S:GGC>AGC; c.17881G>A, p.Gly5961Ser (NM_001256850.1); c.15100G>A, p.Gly5034Ser (NM_133378.4); c.13282+8758G>A (NM_003319.4); c.13858+8758G>A (NM_133437.4); c.13657+8758G>A (NM_133432.3); short protein forms G6278S, G5034S, G5961S.
Identifiers: ClinVar variation 46647 (VCV000046647.9), dbSNP rs397517488, ClinGen allele CA138857.